The following is an entry in ClinVar:

ClinVar aggregate classification (germline): Likely benign. Review status: criteria provided, multiple submitters, no conflicts (2 of 4 stars). 2 submissions from 2 submitters: Likely benign (2). Last evaluated 2026-07-06.

Conditions:
NEFH-related disorder. Also called: NEFH-related condition.

Allele frequency attached by ClinVar (database versions not stated): gnomAD 0.00001.
gnomAD v4.1: 5 of 1,532,116 alleles (0.00033%); highest among the groups gnomAD compares: African/African-American, 0.0069%; no homozygotes.

Submissions (2):

PreventionGenetics, part of Exact Sciences
Classification: Likely benign for NEFH-related condition. Last evaluated: 2026-07-06. Review status: criteria provided, single submitter. Criteria: ACMG Guidelines, 2015. Collection method: clinical testing. Allele origin: germline.
Comment: This variant is classified as likely benign based on ACMG/AMP sequence variant interpretation guidelines (Richards et al. 2015 PMID: 25741868, with internal and published modifications).

Labcorp Genetics (formerly Invitae), Labcorp
Classification: Likely benign. Last evaluated: 2023-04-29. Review status: criteria provided, single submitter. Criteria: Invitae Variant Classification Sherloc (09022015). Collection method: clinical testing. Allele origin: germline.

NM_021076.4(NEFH):c.813G>T (p.Leu271=)

Gene: NEFH (neurofilament heavy chain; plus strand). Cytogenetic location: 22q12.2.
Variant type: single nucleotide variant.
Coding change: c.813G>T on transcript NM_021076.4 (MANE Select); coding-DNA position 813, G replaced by T.
Protein change: p.Leu271=; no amino-acid change (leucine 271 retained).
Molecular consequence: synonymous variant.
Genome position (GRCh38, 1-based): chr22:29,481,075, G>T. VCF-style: chr22-29481075-G-T. GRCh37 (hg19) VCF-style: chr22-29877064-G-T.
Other names: c.813G>T (NM_021076.3).
Identifiers: ClinVar variation 2959897 (VCV002959897.4), dbSNP rs1056259757, ClinGen allele CA323083214.
Genomic context (GRCh38, chr22:29,481,075, plus strand): 5'-GCAGGCGCAGATGCAGGCCGAGACGCGCGACGCCCTGAAGTGCGACGTGACGTCGGCGCT[G>T]CGCGAGATTCGCGCGCAGCTTGAAGGCCACGCGGTGCAGAGCACGCTGCAGTCCGAGGAG-3'
Protein context (NP_066554.2, residues 261-281): DALKCDVTSA[Leu271=]REIRAQLEGH